The following is an entry in ClinVar:

NM_017662.5(TRPM6):c.4193_4194insTCAG (p.Ser1399fs)

Gene: TRPM6 (transient receptor potential cation channel subfamily M member 6; minus strand). Cytogenetic location: 9q21.13.
Variant type: Insertion.
Coding change: c.4193_4194insTCAG on transcript NM_017662.5 (MANE Select); coding-DNA positions 4193 to 4194, TCAG inserted.
Protein change: p.Ser1399fs; shifts the reading frame from serine 1399.
Molecular consequence: frameshift variant.
Genome position: GRCh38 VCF-style: chr9-74762477-T-TCTGA. GRCh37 (hg19) VCF-style: chr9-77377393-T-TCTGA.
Other names: c.4178_4179insTCAG, p.Ser1394fs (NM_001177310.2, NM_001177311.2); short protein forms S1394fs, S1399fs.
Identifiers: ClinVar variation 4813693 (VCV004813693.1).

ClinVar aggregate classification (germline): Likely pathogenic (1 of 4 stars; one submission).

Conditions:
Autosomal recessive nonsyndromic hearing loss 7. Also called: DEAFNESS, AUTOSOMAL RECESSIVE 11. Identifiers: Orphanet 90636, MedGen C1832978, MONDO:0010967, OMIM 600974.

Submission:

Variantyx, Inc.
Classification: Likely pathogenic for Autosomal recessive nonsyndromic hearing loss 7. Last evaluated: 2026-01-06. Review status: criteria provided, single submitter. Criteria: Variantyx Assertion Criteria 2022. Collection method: clinical testing. Allele origin: germline. Inheritance: Autosomal recessive inheritance. Affected: no.
Comment: This is a frameshift variant in the TRPM6 gene (OMIM: 607009). Pathogenic variants in this gene have been associated with autosomal recessive hypomagnesemia with secondary hypocalcemia. This variant introduces a premature termination codon in exon 26 out of 39 and is expected to result in loss of function, which is a known disease mechanism for TRPM6 in this disorder (PMID: 32369769, 26273099, 16107578) (PVS1). This variant is absent from control populations (PM2) and has not been reported in individuals with TRPM6-related disorders in the databases available for review. Based on the current evidence, this variant is classified as likely pathogenic for autosomal recessive hypomagnesemia with secondary hypocalcemia.

Literature cited by the submitters: PubMed 32369769; PubMed 26273099; PubMed 16107578.